The following is an entry in ClinVar:

NM_153026.3(PRICKLE1):c.2255T>C (p.Leu752Pro)

Gene: PRICKLE1 (prickle planar cell polarity protein 1; minus strand). Cytogenetic location: 12q12.
Variant type: single nucleotide variant.
Coding change: c.2255T>C on transcript NM_153026.3 (MANE Select); coding-DNA position 2255, T replaced by C.
Protein change: p.Leu752Pro; replaces leucine 752 with proline.
Molecular consequence: missense variant.
Genome position (GRCh38, 1-based): chr12:42,460,050, A>G on the plus strand (T>C on the coding strand, the complement: PRICKLE1 is on the minus strand). VCF-style: chr12-42460050-A-G. GRCh37 (hg19) VCF-style: chr12-42853852-A-G.
Other names: c.2255T>C, p.Leu752Pro (NM_001144881.2, NM_001144882.2, NM_001144883.2); short protein forms L752P.
Identifiers: ClinVar variation 1056183 (VCV001056183.9), dbSNP rs2140085364, ClinGen allele CA384439866.
Genomic context (GRCh38, chr12:42,460,050, plus strand): 5'-GAGTCGGAAGAGGAGGAGGAGGAAGAACACCAGGAATCATCATCCTCGCCGTAGAGTCCC[A>G]GAAACCGATTCATTCCTGGGTTCTGCAGGCCATAATCGGAAGTGGCATGGGCGTACTGTC-3'
Protein context (NP_694571.2, residues 742-762): GLQNPGMNRF[Leu752Pro]GLYGEDDDSW

ClinVar aggregate classification (germline): Uncertain significance (1 of 4 stars; one submission).

Conditions:
Epilepsy, progressive myoclonic, 1B. Also called: PME. Identifiers: Orphanet 308, MedGen C2676254, MONDO:0012904, OMIM 612437.

Submission:

Labcorp Genetics (formerly Invitae), Labcorp
Classification: Uncertain significance for Epilepsy, progressive myoclonic, 1B. Last evaluated: 2020-01-10. Review status: criteria provided, single submitter. Criteria: Invitae Variant Classification Sherloc (09022015). Collection method: clinical testing. Allele origin: germline.
Comment: In summary, the available evidence is currently insufficient to determine the role of this variant in disease. Therefore, it has been classified as a Variant of Uncertain Significance. Algorithms developed to predict the effect of missense changes on protein structure and function are either unavailable or do not agree on the potential impact of this missense change (SIFT: "Deleterious"; PolyPhen-2: "Benign"; Align-GVGD: "Class C35"). This variant has not been reported in the literature in individuals with PRICKLE1-related conditions. This variant is not present in population databases (ExAC no frequency). This sequence change replaces leucine with proline at codon 752 of the PRICKLE1 protein (p.Leu752Pro). The leucine residue is moderately conserved and there is a moderate physicochemical difference between leucine and proline.